The following is an entry in ClinVar:

NM_000059.4(BRCA2):c.7808C>T (p.Ala2603Val)

Gene: BRCA2 (BRCA2 DNA repair associated; plus strand). Cytogenetic location: 13q13.1.
Variant type: single nucleotide variant.
Coding change: c.7808C>T on transcript NM_000059.4 (MANE Select); coding-DNA position 7808, C replaced by T.
Protein change: p.Ala2603Val; replaces alanine 2603 with valine.
Molecular consequence: missense variant. On other transcripts: non-coding transcript variant (1).
Genome position (GRCh38, 1-based): chr13:32,362,525, C>T. VCF-style: chr13-32362525-C-T. GRCh37 (hg19) VCF-style: chr13-32936662-C-T.
Other names: c.7712C>T, p.Ala2571Val (NM_001406719.1); c.7808C>T, p.Ala2603Val (NM_001406720.1); c.2876C>T, p.Ala959Val (NM_001406721.1); c.1391C>T, p.Ala464Val (NM_001406722.1); short protein forms A2571V, A2603V, A464V, A959V.
Identifiers: ClinVar variation 3228943 (VCV003228943.1), dbSNP rs2137576382, ClinGen allele CA387746930.
Genomic context (GRCh38, chr13:32,362,525, plus strand): 5'-TGAATTCAGTATCATCCTATGTGGTTTTTATGATAATATTCTACTTTTATTTGTTCAGGG[C>T]TCTGTGTGACACTCCAGGTGTGGATCCAAAGCTTATTTCTAGAATTTGGGTTTATAATCA-3'
Protein context (NP_000050.3, residues 2593-2613): GKAGKEEFYR[Ala2603Val]LCDTPGVDPK

ClinVar aggregate classification (germline): Uncertain significance (1 of 4 stars; one submission).

Conditions:
Hereditary cancer-predisposing syndrome. Also called: Neoplastic Syndromes, Hereditary; Tumor predisposition; Hereditary neoplastic syndrome; Hereditary Cancer Syndrome. Identifiers: Orphanet 140162, MedGen C0027672, MeSH D009386, MONDO:0015356.

Allele frequency attached by ClinVar (database versions not stated): gnomAD exomes below 0.00001.
gnomAD v4.1: 1 of 1,613,372 alleles (0.000062%); highest among the groups gnomAD compares: Non-Finnish European, 0.000085%; no homozygotes.

Submission:

Ambry Genetics
Classification: Uncertain significance for Hereditary cancer-predisposing syndrome. Last evaluated: 2023-10-13. Review status: criteria provided, single submitter. Criteria: Ambry Variant Classification Scheme 2023. Collection method: clinical testing. Allele origin: germline.
Comment: The p.A2603V variant (also known as c.7808C>T), located in coding exon 16 of the BRCA2 gene, results from a C to T substitution at nucleotide position 7808. The alanine at codon 2603 is replaced by valine, an amino acid with similar properties. This amino acid position is conserved. In addition, this alteration is predicted to be deleterious by in silico analysis. Since supporting evidence is limited at this time, the clinical significance of this alteration remains unclear.